The following is an entry in ClinVar:

NM_014225.6(PPP2R1A):c.898G>T (p.Ala300Ser)

Gene: PPP2R1A (protein phosphatase 2 scaffold subunit Aalpha; plus strand). Cytogenetic location: 19q13.41.
Variant type: single nucleotide variant.
Coding change: c.898G>T on transcript NM_014225.6 (MANE Select); coding-DNA position 898, G replaced by T.
Protein change: p.Ala300Ser; replaces alanine 300 with serine.
Molecular consequence: missense variant. On other transcripts: non-coding transcript variant (1).
Genome position (GRCh38, 1-based): chr19:52,215,869, G>T. VCF-style: chr19-52215869-G-T. GRCh37 (hg19) VCF-style: chr19-52719122-G-T.
Other names: c.361G>T, p.Ala121Ser (NM_001363656.2); short protein forms A121S, A300S.
Identifiers: ClinVar variation 1925690 (VCV001925690.5), dbSNP rs531304664, ClinGen allele CA309868335.

ClinVar aggregate classification (germline): Uncertain significance (1 of 4 stars; one submission).

Allele frequency attached by ClinVar (database versions not stated): gnomAD exomes below 0.00001; gnomAD 0.00001; TOPMed 0.00001.
gnomAD v4.1: 4 of 1,613,916 alleles (0.00025%); highest among the groups gnomAD compares: Non-Finnish European, 0.00025%; no homozygotes.

Submission:

Labcorp Genetics (formerly Invitae), Labcorp
Classification: Uncertain significance. Last evaluated: 2024-04-08. Review status: criteria provided, single submitter. Criteria: Invitae Variant Classification Sherloc (09022015). Collection method: clinical testing. Allele origin: germline.
Comment: This sequence change replaces alanine, which is neutral and non-polar, with serine, which is neutral and polar, at codon 300 of the PPP2R1A protein (p.Ala300Ser). This variant is not present in population databases (gnomAD no frequency). This variant has not been reported in the literature in individuals affected with PPP2R1A-related conditions. ClinVar contains an entry for this variant (Variation ID: 1925690). Advanced modeling of protein sequence and biophysical properties (such as structural, functional, and spatial information, amino acid conservation, physicochemical variation, residue mobility, and thermodynamic stability) performed at Invitae indicates that this missense variant is not expected to disrupt PPP2R1A protein function with a negative predictive value of 80%. In summary, the available evidence is currently insufficient to determine the role of this variant in disease. Therefore, it has been classified as a Variant of Uncertain Significance.